The following is an entry in ClinVar:

NM_005359.6(SMAD4):c.642T>C (p.Phe214=)

Gene: SMAD4 (SMAD family member 4; plus strand). Cytogenetic location: 18q21.2.
Variant type: single nucleotide variant.
Coding change: c.642T>C on transcript NM_005359.6 (MANE Select); coding-DNA position 642, T replaced by C.
Protein change: p.Phe214=; no amino-acid change (phenylalanine 214 retained).
Molecular consequence: synonymous variant.
Genome position (GRCh38, 1-based): chr18:51,054,968, T>C. VCF-style: chr18-51054968-T-C. GRCh37 (hg19) VCF-style: chr18-48581338-T-C.
Identifiers: ClinVar variation 764089 (VCV000764089.11), dbSNP rs1281575334, ClinGen allele CA503873787.

ClinVar aggregate classification (germline): Benign/Likely benign. Review status: criteria provided, multiple submitters, no conflicts (2 of 4 stars). 3 submissions from 3 submitters: Benign (1); Likely benign (2). Last evaluated 2025-10-01.

Conditions:
Juvenile polyposis syndrome (JPS). Identifiers: Orphanet 2929, MedGen C0345893, MONDO:0017380, OMIM 174900.
Familial thoracic aortic aneurysm and aortic dissection (TAAD). Also called: Thoracic aortic aneurysms and dissections. Identifiers: Orphanet 91387, MedGen C4707243, MONDO:0019625.
Hereditary cancer-predisposing syndrome. Also called: Neoplastic Syndromes, Hereditary; Hereditary neoplastic syndrome; Hereditary Cancer Syndrome; Tumor predisposition. Identifiers: Orphanet 140162, MedGen C0027672, MeSH D009386, MONDO:0015356.
Juvenile polyposis/hereditary hemorrhagic telangiectasia syndrome (JPHT). Also called: JP/HHT SYNDROME; JUVENILE POLYPOSIS WITH HEREDITARY HEMORRHAGIC TELANGIECTASIA; POLYPOSIS, GENERALIZED JUVENILE, WITH PULMONARY ARTERIOVENOUS MALFORMATION; TELANGIECTASIA, HEREDITARY HEMORRHAGIC, WITH JUVENILE POLYPOSIS COLI; Juvenile Polyposis Syndrome / Hereditary Hemorrhagic Telangiectasia (JPS/HHT). Identifiers: Orphanet 2929, MedGen C1832942, MONDO:0008278, OMIM 175050.

Allele frequency attached by ClinVar (database versions not stated): TOPMed below 0.00001; gnomAD 0.00001.
gnomAD v4.1: 1 of 1,613,930 alleles (0.000062%); highest among the groups gnomAD compares: Non-Finnish European, 0.000085%; no homozygotes.

Submissions (3):

Labcorp Genetics (formerly Invitae), Labcorp
Classification: Likely benign for Juvenile polyposis syndrome. Last evaluated: 2025-10-01. Review status: criteria provided, single submitter. Criteria: Invitae Variant Classification Sherloc (09022015). Collection method: clinical testing. Allele origin: germline.

Myriad Genetics, Inc.
Classification: Benign for Juvenile polyposis/hereditary hemorrhagic telangiectasia syndrome. Last evaluated: 2025-03-19. Review status: criteria provided, single submitter. Criteria: Myriad Autosomal Dominant, Autosomal Recessive and X-Linked Classification Criteria (2023). Collection method: clinical testing. Allele origin: unknown.
Comment: This variant is considered benign. This variant is a silent/synonymous amino acid change and it is not expected to impact splicing.

Ambry Genetics
Classification: Likely benign for Hereditary cancer-predisposing syndrome; Familial thoracic aortic aneurysm and aortic dissection. Last evaluated: 2022-04-19. Review status: criteria provided, single submitter. Criteria: Ambry Variant Classification Scheme 2023. Collection method: clinical testing. Allele origin: germline.